The following is an entry in ClinVar:

ClinVar aggregate classification (germline): Uncertain significance. Review status: criteria provided, single submitter (1 of 4 stars). 3 submissions from 2 submitters: Uncertain significance (1). 2 of the submissions do not count toward it. Last evaluated 2020-05-28.

Conditions:
Congenital anomaly of kidney and urinary tract. Also called: Congenital anomalies of the kidney and urinary tract; Congenital anomalies of kidney and urinary tract. Identifiers: Orphanet 93545, MedGen C1968949, MeSH C566906, MONDO:0019719.
Congenital anomalies of kidney and urinary tract 1. Also called: Renal hypodysplasia, nonsyndromic, 1; Congenital anomalies of kidney and urinary tract 1, susceptibility to. Identifiers: MedGen C1835826, MONDO:0012561, OMIM 610805.

Submissions (3):

Broad Center for Mendelian Genomics, Broad Institute of MIT and Harvard
Classification: Uncertain significance for Congenital anomalies of kidney and urinary tract 1. Last evaluated: 2020-05-28. Review status: criteria provided, single submitter. Criteria: ACMG Guidelines, 2015. Collection method: research. Allele origin: germline. Inheritance: Autosomal dominant inheritance.
Comment: It is of note that reduced penetrance has been previously described in CAKUT (PMID: 29293093). This variant was absent from large population studies. In vitro functional studies provide some evidence that the p.Pro665Thr variant may slightly impact protein function (PMID: 26026792). However, these types of assays may not accurately represent biological function. Computational prediction tools and conservation analyses do not provide strong support for or against an impact to the protein. Furthermore, although this gene has been reported in association with CAKUT, it currently has limited evidence for these associations. In summary, while there is some suspicion for a pathogenic role, the clinical significance of this variant is uncertain.

Yale Center for Mendelian Genomics, Yale University
Classification: Pathogenic for Congenital anomaly of kidney and urinary tract. Last evaluated: 2018-08-24. Review status: no assertion criteria provided. Collection method: literature only. Allele origin: germline. Affected: yes. Observed: 1 heterozygote. Study: Yale Center for Mendelian Genomics. Not counted in ClinVar's aggregate classification.

Yale Center for Mendelian Genomics, Yale University
Classification: Pathogenic for Congenital anomalies of the kidney and urinary tract. Last evaluated: 2015-05-31. Review status: no assertion criteria provided. Collection method: literature only. Allele origin: de novo. Affected: yes. Observed: 1 heterozygote. Not counted in ClinVar's aggregate classification.

Literature cited by the submitters: PubMed 26026792 (cited by Broad Center for Mendelian Genomics, Broad Institute of MIT and Harvard and Yale Center for Mendelian Genomics, Yale University); PubMed 30143558 (cited by Yale Center for Mendelian Genomics, Yale University).

NM_020762.4(SRGAP1):c.1993C>A (p.Pro665Thr)

Gene: SRGAP1 (SLIT-ROBO Rho GTPase activating protein 1; plus strand). Cytogenetic location: 12q14.2.
Variant type: single nucleotide variant.
Coding change: c.1993C>A on transcript NM_020762.4 (MANE Select); coding-DNA position 1993, C replaced by A.
Protein change: p.Pro665Thr; replaces proline 665 with threonine.
Molecular consequence: missense variant.
Genome position (GRCh38, 1-based): chr12:64,111,835, C>A. VCF-style: chr12-64111835-C-A. GRCh37 (hg19) VCF-style: chr12-64505615-C-A.
Other names: c.1993C>A (NM_020762.2); c.1924C>A, p.Pro642Thr (NM_001346201.2); short protein forms P642T, P665T.
Identifiers: ClinVar variation 684622 (VCV000684622.3), dbSNP rs1592332125, ClinGen allele CA385589719.